The following is an entry in ClinVar:

NM_198576.4(AGRN):c.3066A>G (p.Ser1022=)

Gene: AGRN (agrin; plus strand). Cytogenetic location: 1p36.33.
Variant type: single nucleotide variant.
Coding change: c.3066A>G on transcript NM_198576.4 (MANE Select); coding-DNA position 3066, A replaced by G.
Protein change: p.Ser1022=; no amino-acid change (serine 1022 retained).
Molecular consequence: synonymous variant.
Genome position (GRCh38, 1-based): chr1:1,046,551, A>G. VCF-style: chr1-1046551-A-G. GRCh37 (hg19) VCF-style: chr1-981931-A-G.
Other names: p.Ser1022=; c.3066A>G (LRG_198t1); c.3066A>G, p.Ser1022= (NM_001305275.2); c.2751A>G, p.Ser917= (NM_001364727.2).
Identifiers: ClinVar variation 128297 (VCV000128297.21), dbSNP rs2465128, ClinGen allele CA151626.

ClinVar aggregate classification (germline): Benign. Review status: criteria provided, multiple submitters, no conflicts (2 of 4 stars). 8 submissions from 8 submitters: Benign (8). Last evaluated 2026-02-04.

Conditions:
Congenital myasthenic syndrome 8. Also called: Myasthenic syndrome, congenital, 8, with pre- and postsynaptic defects; MYASTHENIC SYNDROME, CONGENITAL, DUE TO AGRIN DEFICIENCY. Identifiers: Orphanet 590, MedGen C3808739, MONDO:0014052, OMIM 615120.

Allele frequency attached by ClinVar (database versions not stated): ESP Exome Variant Server 0.78022; TOPMed 0.78306; 1000 Genomes Project 30x 0.79060; gnomAD 0.79176 and 0.79957; 1000 Genomes Project 0.79772; ExAC 0.87675; gnomAD exomes 0.88654 and 0.90293.
gnomAD v4.1: 1,437,262 of 1,610,386 alleles (89%); highest among the groups gnomAD compares: East Asian, 97%; 647,914 homozygotes.

Submissions (8):

Labcorp Genetics (formerly Invitae), Labcorp
Classification: Benign for Congenital myasthenic syndrome 8. Last evaluated: 2026-02-04. Review status: criteria provided, single submitter. Criteria: Invitae Variant Classification Sherloc (09022015). Collection method: clinical testing. Allele origin: germline.

Blueprint Genetics
Classification: Benign. Last evaluated: 2024-11-26. Review status: criteria provided, single submitter. Criteria: ACMG Guidelines, 2015. Collection method: clinical testing. Allele origin: germline.

Genome-Nilou Lab
Classification: Benign for Congenital myasthenic syndrome 8. Last evaluated: 2021-07-14. Review status: criteria provided, single submitter. Criteria: ACMG Guidelines, 2015. Collection method: clinical testing. Allele origin: germline. Affected: no.

Mayo Clinic Laboratories, Mayo Clinic
Classification: Benign. Last evaluated: 2017-07-21. Review status: criteria provided, single submitter. Criteria: ACMG Guidelines, 2015. Collection method: clinical testing. Allele origin: germline. Observed: 426 variant alleles.

GeneDx
Classification: Benign. Last evaluated: 2016-01-19. Review status: criteria provided, single submitter. Criteria: GeneDx Variant Classification (06012015). Collection method: clinical testing. Allele origin: germline. Affected: yes.
Comment: This variant is considered likely benign or benign based on one or more of the following criteria: it is a conservative change, it occurs at a poorly conserved position in the protein, it is predicted to be benign by multiple in silico algorithms, and/or has population frequency not consistent with disease.

Genetic Services Laboratory, University of Chicago
Classification: Benign for AllHighlyPenetrant. Last evaluated: 2013-08-15. Review status: criteria provided, single submitter. Criteria: ACMG Guidelines, 2007. Collection method: clinical testing. Allele origin: germline. Inheritance: Autosomal recessive inheritance.

Breakthrough Genomics
Classification: Benign. Review status: criteria provided, single submitter. Criteria: ACMG Guidelines, 2015. Collection method: not provided. Allele origin: germline. Inheritance: Autosomal recessive inheritance. Affected: yes.

PreventionGenetics, part of Exact Sciences
Classification: Benign. Review status: criteria provided, single submitter. Criteria: ACMG Guidelines, 2015. Collection method: clinical testing. Allele origin: germline.